The following is an entry in ClinVar:

NM_002292.4(LAMB2):c.934T>C (p.Cys312Arg)

Gene: LAMB2 (laminin subunit beta 2; minus strand). Cytogenetic location: 3p21.31.
Variant type: single nucleotide variant.
Coding change: c.934T>C on transcript NM_002292.4 (MANE Select); coding-DNA position 934, T replaced by C.
Protein change: p.Cys312Arg; replaces cysteine 312 with arginine.
Molecular consequence: missense variant.
Genome position (GRCh38, 1-based): chr3:49,130,842, A>G on the plus strand (T>C on the coding strand, the complement: LAMB2 is on the minus strand). VCF-style: chr3-49130842-A-G. GRCh37 (hg19) VCF-style: chr3-49168275-A-G.
Other names: short protein forms C312R.
Identifiers: ClinVar variation 391807 (VCV000391807.3), dbSNP rs1057524235, ClinGen allele CA16604628.

ClinVar aggregate classification (germline): Uncertain significance (1 of 4 stars; one submission).

Submission:

GeneDx
Classification: Uncertain significance. Last evaluated: 2025-08-04. Review status: criteria provided, single submitter. Criteria: GeneDx Variant Classification Process June 2021. Collection method: clinical testing. Allele origin: germline. Affected: yes.
Comment: Not observed at significant frequency in large population cohorts (gnomAD); In silico analysis supports that this missense variant has a deleterious effect on protein structure/function; Has not been previously published as pathogenic or benign to our knowledge